The following is an entry in ClinVar:

ClinVar aggregate classification (germline): Uncertain significance. Review status: criteria provided, multiple submitters, no conflicts (2 of 4 stars). 2 submissions from 2 submitters: Uncertain significance (2). Last evaluated 2023-03-29.

Conditions:
Inborn genetic diseases. Identifiers: MedGen C0950123, MeSH D030342.
Charcot-Marie-Tooth disease type 4. Also called: Charcot-Marie-Tooth, Type 4; Charcot-Marie-Tooth disease, type IV. Identifiers: Orphanet 64749, MedGen C4082197, MONDO:0018995.

Allele frequency attached by ClinVar (database versions not stated): gnomAD exomes 0.00002 and 0.00003; ExAC 0.00004; gnomAD 0.00004; TOPMed 0.00004; 1000 Genomes Project 30x 0.00016; 1000 Genomes Project 0.00020.
gnomAD v4.1: 42 of 1,613,174 alleles (0.0026%); highest among the groups gnomAD compares: African/African-American, 0.008%; no homozygotes.

Submissions (2):

Labcorp Genetics (formerly Invitae), Labcorp
Classification: Uncertain significance for Charcot-Marie-Tooth disease type 4. Last evaluated: 2023-03-29. Review status: criteria provided, single submitter. Criteria: Invitae Variant Classification Sherloc (09022015). Collection method: clinical testing. Allele origin: germline.
Comment: In summary, the available evidence is currently insufficient to determine the role of this variant in disease. Therefore, it has been classified as a Variant of Uncertain Significance. Algorithms developed to predict the effect of sequence changes on RNA splicing suggest that this variant may disrupt the consensus splice site. Advanced modeling of protein sequence and biophysical properties (such as structural, functional, and spatial information, amino acid conservation, physicochemical variation, residue mobility, and thermodynamic stability) performed at Invitae indicates that this missense variant is not expected to disrupt SH3TC2 protein function. ClinVar contains an entry for this variant (Variation ID: 407270). This variant has not been reported in the literature in individuals affected with SH3TC2-related conditions. This variant is present in population databases (rs559570623, gnomAD 0.007%). This sequence change replaces serine, which is neutral and polar, with leucine, which is neutral and non-polar, at codon 29 of the SH3TC2 protein (p.Ser29Leu).

Ambry Genetics
Classification: Uncertain significance for Inborn genetic diseases. Last evaluated: 2020-12-09. Review status: criteria provided, single submitter. Criteria: Ambry Variant Classification Scheme 2023. Collection method: clinical testing. Allele origin: germline.
Comment: The p.S29L variant (also known as c.86C>T), located in coding exon 2 of the SH3TC2 gene, results from a C to T substitution at nucleotide position 86. The serine at codon 29 is replaced by leucine, an amino acid with dissimilar properties. This amino acid position is well conserved in available vertebrate species; however, leucine is the reference amino acid in other vertebrate species. In addition, this alteration is predicted to be tolerated by in silico analysis. Since supporting evidence is limited at this time, the clinical significance of this alteration remains unclear.

NM_024577.4(SH3TC2):c.86C>T (p.Ser29Leu)

Gene: SH3TC2 (SH3 domain and tetratricopeptide repeats 2; minus strand). Cytogenetic location: 5q32.
Variant type: single nucleotide variant.
Coding change: c.86C>T on transcript NM_024577.4 (MANE Select); coding-DNA position 86, C replaced by T.
Protein change: p.Ser29Leu; replaces serine 29 with leucine.
Molecular consequence: missense variant.
Genome position (GRCh38, 1-based): chr5:149,052,207, G>A on the plus strand (C>T on the coding strand, the complement: SH3TC2 is on the minus strand). VCF-style: chr5-149052207-G-A. GRCh37 (hg19) VCF-style: chr5-148431770-G-A.
Other names: short protein forms S29L.
Identifiers: ClinVar variation 407270 (VCV000407270.9), dbSNP rs559570623, ClinGen allele CA3499632.
Genomic context (GRCh38, chr5:149,052,207, plus strand): 5'-TTAATGTTCTGTGGCAGAAAACATTTTTCCTTGTATTCAGATGAGGCTATACACTCACTC[G>A]ATACAGTTGGATCCTTGGAAGGAGTTTCTTTACCTGGAGAAGATGAAATAAAAGGTCATC-3'
Protein context (NP_078853.2, residues 19-39): KETPSKDPTV[Ser29Leu]SECIASSEYK